The following is an entry in ClinVar:

NM_001377540.1(SLMAP):c.1368G>T (p.Gln456His)

Gene: SLMAP (sarcolemma associated protein; plus strand). Cytogenetic location: 3p14.3.
Variant type: single nucleotide variant.
Coding change: c.1368G>T on transcript NM_001377540.1 (MANE Select); coding-DNA position 1368, G replaced by T.
Protein change: p.Gln456His; replaces glutamine 456 with histidine.
Molecular consequence: missense variant. On other transcripts: 5 prime UTR variant (7), non-coding transcript variant (1).
Genome position (GRCh38, 1-based): chr3:57,896,518, G>T. VCF-style: chr3-57896518-G-T. GRCh37 (hg19) VCF-style: chr3-57882245-G-T.
Other names: c.1317G>T, p.Gln439His (NM_001304420.3, NM_001377541.1, NM_001377542.1 and 2 more transcripts); c.1203G>T, p.Gln401His (NM_001304421.2, NM_001377557.1, NM_001377559.1 and 1 more transcripts); c.-82G>T (NM_001304422.3, NM_001304423.3, NM_001311178.2 and 4 more transcripts); c.1368G>T, p.Gln456His (NM_001377538.1, NM_001377539.1, NM_001377555.1); c.1305G>T, p.Gln435His (NM_001377545.1, NM_001377922.1); c.1266G>T, p.Gln422His (NM_001377549.1, NM_007159.5, NM_001377923.1); c.1254G>T, p.Gln418His (NM_001377551.1, NM_001377552.1, NM_001377924.1); short protein forms Q418H, Q456H, Q435H, Q439H, Q401H, Q422H.
Identifiers: ClinVar variation 2178019 (VCV002178019.4), dbSNP rs2474768068, ClinGen allele CA353411929.

ClinVar aggregate classification (germline): Uncertain significance (1 of 4 stars; one submission).

Conditions:
Brugada syndrome. Also called: Sudden unexpected nocturnal death syndrome; Sudden unexplained nocturnal death syndrome; Sudden Unexplained Death Syndrome; Sudden Unexplained Nocturnal Death Syndrome (SUNDS). Identifiers: Orphanet 130, MedGen C1142166, MONDO:0015263.

Submission:

Labcorp Genetics (formerly Invitae), Labcorp
Classification: Uncertain significance for Brugada syndrome. Last evaluated: 2022-03-25. Review status: criteria provided, single submitter. Criteria: Invitae Variant Classification Sherloc (09022015). Collection method: clinical testing. Allele origin: germline.
Comment: This sequence change replaces glutamine, which is neutral and polar, with histidine, which is basic and polar, at codon 422 of the SLMAP protein (p.Gln422His). In summary, the available evidence is currently insufficient to determine the role of this variant in disease. Therefore, it has been classified as a Variant of Uncertain Significance. Algorithms developed to predict the effect of missense changes on protein structure and function are either unavailable or do not agree on the potential impact of this missense change (SIFT: "Tolerated"; PolyPhen-2: "Probably Damaging"; Align-GVGD: "Class C0"). This variant has not been reported in the literature in individuals affected with SLMAP-related conditions. This variant is not present in population databases (gnomAD no frequency).